The following is an entry in ClinVar:

NM_005006.7(NDUFS1):c.29_32inv (p.Leu10_Val11delinsTyrTer)

Gene: NDUFS1 (NADH:ubiquinone oxidoreductase core subunit S1; minus strand). Cytogenetic location: 2q33.3.
Variant type: Inversion.
Coding change: c.29_32inv on transcript NM_005006.7 (MANE Select).
Protein change: p.Leu10_Val11delinsTyrTer.
Molecular consequence: nonsense. On other transcripts: 5 prime UTR variant (2).
Genome position: GRCh38 VCF-style: chr2-206153647-ACTA-TAGT. GRCh37 (hg19) VCF-style: chr2-207018371-ACTA-TAGT.
Other names: c.29_32inv, p.Leu10_Val11delinsTyrTer (NM_001199981.2); c.-28_-25inv (NM_001199982.2); c.-51_-48inv (NM_001199983.2); c.71_74inv, p.Leu24_Val25delinsTyrTer (NM_001199984.2).
Identifiers: ClinVar variation 4880768 (VCV004880768.2).

ClinVar aggregate classification (germline): Likely pathogenic (1 of 4 stars; one submission).

Submission:

Dasa
Classification: Likely pathogenic. Last evaluated: 2025-10-30. Review status: criteria provided, single submitter. Criteria: DASA Assertion Criteria. Collection method: clinical testing. Allele origin: germline.
Comment: NM_005006.7(NDUFS1):c.29_32inv (p.Leu10delinsTyr*) is a nonsense variant in NDUFS1 predicted to introduce a premature termination codon and is predicted to result in an absent or altered protein product. Loss of function is an established disease mechanism for NDUFS1-associated disorders. Also, this variant is absent from population databases. Based on the currently available evidence, this variant is classified as likely pathogenic.